The following is an entry in ClinVar:

ClinVar aggregate classification (germline): Conflicting classifications of pathogenicity. Review status: criteria provided, conflicting classifications (1 of 4 stars). 6 submissions from 6 submitters: Uncertain significance (5); Likely benign (1). Last evaluated 2026-08-19.

Conditions:
Hereditary nonpolyposis colorectal neoplasms. Identifiers: MedGen C0009405, MeSH D003123.
Lynch syndrome 5 (LYNCH5). Also called: Colorectal cancer, hereditary nonpolyposis, type 5; Hereditary non-polyposis colorectal cancer, type 5. Identifiers: Orphanet 144, MedGen C1833477, MONDO:0013710, OMIM 614350. Disease mechanism: loss of function.
Endometrial carcinoma. Also called: Endometrial carcinoma, somatic. Identifiers: MedGen C0476089, MONDO:0002447, OMIM 608089, HP:0012114.
Mismatch repair cancer syndrome 3. Identifiers: MedGen C5436807, MONDO:0030841, OMIM 619097.
Hereditary cancer-predisposing syndrome. Also called: Neoplastic Syndromes, Hereditary; Hereditary neoplastic syndrome; Hereditary Cancer Syndrome; Tumor predisposition. Identifiers: Orphanet 140162, MedGen C0027672, MeSH D009386, MONDO:0015356.

Submissions (6):

Ambry Genetics
Classification: Likely benign for Hereditary cancer-predisposing syndrome. Last evaluated: 2026-08-19. Review status: criteria provided, single submitter. Criteria: Ambry Variant Classification Scheme 2023. Collection method: clinical testing. Allele origin: germline.

Fulgent Genetics
Classification: Uncertain significance for Endometrial carcinoma; Lynch syndrome 5; Mismatch repair cancer syndrome 3. Last evaluated: 2024-03-20. Review status: criteria provided, single submitter. Criteria: ACMG Guidelines, 2015. Collection method: clinical testing. Allele origin: germline.

Color Diagnostics, LLC DBA Color Health
Classification: Uncertain significance for Hereditary cancer-predisposing syndrome. Last evaluated: 2023-12-05. Review status: criteria provided, single submitter. Criteria: ACMG Guidelines, 2015. Collection method: clinical testing. Allele origin: germline.
Comment: This missense variant replaces alanine with threonine at codon 34 of the MSH6 protein. Computational prediction suggests that this variant may not impact protein structure and function (internally defined REVEL score threshold <= 0.5, PMID: 27666373). To our knowledge, functional studies have not been reported for this variant. This variant has not been reported in individuals affected with MSH6-related disorders in the literature. This variant has not been identified in the general population by the Genome Aggregation Database (gnomAD). The available evidence is insufficient to determine the role of this variant in disease conclusively. Therefore, this variant is classified as a Variant of Uncertain Significance.

Labcorp Genetics (formerly Invitae), Labcorp
Classification: Uncertain significance for Hereditary nonpolyposis colorectal neoplasms. Last evaluated: 2023-06-23. Review status: criteria provided, single submitter. Criteria: Invitae Variant Classification Sherloc (09022015). Collection method: clinical testing. Allele origin: germline.
Comment: In summary, the available evidence is currently insufficient to determine the role of this variant in disease. Therefore, it has been classified as a Variant of Uncertain Significance. Advanced modeling of protein sequence and biophysical properties (such as structural, functional, and spatial information, amino acid conservation, physicochemical variation, residue mobility, and thermodynamic stability) performed at Invitae indicates that this missense variant is not expected to disrupt MSH6 protein function. ClinVar contains an entry for this variant (Variation ID: 449945). This variant has not been reported in the literature in individuals affected with MSH6-related conditions. This variant is not present in population databases (gnomAD no frequency). This sequence change replaces alanine, which is neutral and non-polar, with threonine, which is neutral and polar, at codon 34 of the MSH6 protein (p.Ala34Thr).

Blueprint Genetics
Classification: Uncertain significance. Last evaluated: 2019-07-18. Review status: criteria provided, single submitter. Criteria: ACMG Guidelines, 2015. Collection method: clinical testing. Allele origin: germline.

GeneDx
Classification: Uncertain significance. Last evaluated: 2017-04-24. Review status: criteria provided, single submitter. Criteria: GeneDx Variant Classification (06012015). Collection method: clinical testing. Allele origin: germline. Affected: yes.
Comment: This variant is denoted MSH6 c.100G>A at the cDNA level, p.Ala34Thr (A34T) at the protein level, and results in the change of an Alanine to a Threonine (GCC>ACC). This variant has not, to our knowledge, been published in the literature as pathogenic or benign. MSH6 Ala34Thr was not observed in large population cohorts (NHLBI Exome Sequencing Project, The 1000 Genomes Consortium 2015, Lek 2016). Since Alanine and Threonine differ in polarity, charge, size or other properties, this is considered a non-conservative amino acid substitution. MSH6 Ala34Thr occurs at a position that is not conserved and is not located in a known functional domain. In silico analyses predict that this variant is unlikely to alter protein structure or function. Based on currently available evidence, it is unclear whether MSH6 Ala34Thr is pathogenic or benign. We consider it to be a variant of uncertain significance.

NM_000179.3(MSH6):c.100G>A (p.Ala34Thr)

Gene: MSH6 (mutS homolog 6; plus strand). Cytogenetic location: 2p16.3.
Variant type: single nucleotide variant.
Coding change: c.100G>A on transcript NM_000179.3 (MANE Select); coding-DNA position 100, G replaced by A.
Protein change: p.Ala34Thr; replaces alanine 34 with threonine.
Molecular consequence: missense variant. On other transcripts: 5 prime UTR variant (1).
Genome position (GRCh38, 1-based): chr2:47,783,333, G>A. VCF-style: chr2-47783333-G-A. GRCh37 (hg19) VCF-style: chr2-48010472-G-A.
Other names: c.100G>A, p.Ala34Thr (NM_001281492.2); c.-637G>A (NM_001281493.2); short protein forms A34T.
Identifiers: ClinVar variation 449945 (VCV000449945.22), dbSNP rs1553408194, ClinGen allele CA346734831.